The following is an entry in ClinVar:

ClinVar aggregate classification (germline): Likely benign. Review status: criteria provided, multiple submitters, no conflicts (2 of 4 stars). 7 submissions from 7 submitters: Likely benign (5). 2 of the submissions do not count toward it. Last evaluated 2026-07-01.

Conditions:
ARHGAP31-related disorder. Also called: ARHGAP31-related condition.

Allele frequency attached by ClinVar (database versions not stated): 1000 Genomes Project 0.00040; 1000 Genomes Project 30x 0.00047; TOPMed 0.00057; gnomAD exomes 0.00061; ExAC 0.00062; gnomAD 0.00064 and 0.00069; ESP Exome Variant Server 0.00090.
gnomAD v4.1: 1,583 of 1,614,088 alleles (0.098%); highest among the groups gnomAD compares: Non-Finnish European, 0.12%; no homozygotes.

Submissions (7):

CeGaT Center for Human Genetics Tuebingen
Classification: Likely benign. Last evaluated: 2026-07-01. Review status: criteria provided, single submitter. Criteria: CeGaT Center For Human Genetics Tuebingen Variant Classification Criteria Version 2. Collection method: clinical testing. Allele origin: germline. Affected: yes. Observed: 1 variant allele.
Comment: ARHGAP31: BP4, BS1

Labcorp Genetics (formerly Invitae), Labcorp
Classification: Likely benign. Last evaluated: 2025-12-18. Review status: criteria provided, single submitter. Criteria: Invitae Variant Classification Sherloc (09022015). Collection method: clinical testing. Allele origin: germline.

PreventionGenetics, part of Exact Sciences
Classification: Likely benign for ARHGAP31-related condition. Last evaluated: 2025-05-19. Review status: criteria provided, single submitter. Criteria: ACMG Guidelines, 2015. Collection method: clinical testing. Allele origin: germline.
Comment: This variant is classified as likely benign based on ACMG/AMP sequence variant interpretation guidelines (Richards et al. 2015 PMID: 25741868, with internal and published modifications).

Blueprint Genetics
Classification: Likely benign. Last evaluated: 2024-11-13. Review status: criteria provided, single submitter. Criteria: ACMG Guidelines, 2015. Collection method: clinical testing. Allele origin: germline.

Breakthrough Genomics
Classification: Likely benign. Review status: criteria provided, single submitter. Criteria: ACMG Guidelines, 2015. Collection method: not provided. Allele origin: germline. Inheritance: Autosomal dominant inheritance. Affected: yes.

Diagnostic Laboratory, Department of Genetics, University Medical Center Groningen
Classification: Likely benign. Review status: no assertion criteria provided. Collection method: clinical testing. Allele origin: germline. Affected: yes. Study: VKGL Data-share Consensus. Not counted in ClinVar's aggregate classification.

Laboratory of Diagnostic Genome Analysis, Leiden University Medical Center (LUMC)
Classification: Likely benign. Review status: no assertion criteria provided. Collection method: clinical testing. Allele origin: germline. Affected: yes. Study: VKGL Data-share Consensus. Not counted in ClinVar's aggregate classification.

NM_020754.4(ARHGAP31):c.3802G>A (p.Gly1268Arg)

Gene: ARHGAP31 (Rho GTPase activating protein 31; plus strand). Cytogenetic location: 3q13.33.
Variant type: single nucleotide variant.
Coding change: c.3802G>A on transcript NM_020754.4 (MANE Select); coding-DNA position 3802, G replaced by A.
Protein change: p.Gly1268Arg; replaces glycine 1268 with arginine.
Molecular consequence: missense variant.
Genome position (GRCh38, 1-based): chr3:119,415,731, G>A. VCF-style: chr3-119415731-G-A. GRCh37 (hg19) VCF-style: chr3-119134578-G-A.
Other names: short protein forms G1268R.
Identifiers: ClinVar variation 342671 (VCV000342671.19), dbSNP rs149658506, ClinGen allele CA2554248.